The following is an entry in ClinVar:

NM_001572.5(IRF7):c.257C>T (p.Ala86Val)

Gene: IRF7 (interferon regulatory factor 7; minus strand). Cytogenetic location: 11p15.5.
Variant type: single nucleotide variant.
Coding change: c.257C>T on transcript NM_001572.5 (MANE Select); coding-DNA position 257, C replaced by T.
Protein change: p.Ala86Val; replaces alanine 86 with valine.
Molecular consequence: missense variant.
Genome position (GRCh38, 1-based): chr11:614,934, G>A on the plus strand (C>T on the coding strand, the complement: IRF7 is on the minus strand). VCF-style: chr11-614934-G-A. GRCh37 (hg19) VCF-style: chr11-614934-G-A.
Other names: c.257C>T, p.Ala86Val (NM_004029.4); c.296C>T, p.Ala99Val (NM_004031.4); short protein forms A86V, A99V.
Identifiers: ClinVar variation 952310 (VCV000952310.8), dbSNP rs771414323, ClinGen allele CA5784022.

ClinVar aggregate classification (germline): Uncertain significance. Review status: criteria provided, multiple submitters, no conflicts (2 of 4 stars). 2 submissions from 2 submitters: Uncertain significance (2). Last evaluated 2026-01-22.

Conditions:
Immunodeficiency 39 (IMD39). Identifiers: Orphanet 574918, MedGen C4225358, MONDO:0014597, OMIM 616345.

Allele frequency attached by ClinVar (database versions not stated): ExAC below 0.00001; gnomAD exomes 0.00002; TOPMed 0.00005; gnomAD 0.00008 and 0.00010.
gnomAD v4.1: 39 of 1,579,974 alleles (0.0025%); highest among the groups gnomAD compares: Admixed American, 0.041%; no homozygotes.

Submissions (2):

Labcorp Genetics (formerly Invitae), Labcorp
Classification: Uncertain significance for Immunodeficiency 39. Last evaluated: 2026-01-22. Review status: criteria provided, single submitter. Criteria: Invitae Variant Classification Sherloc (09022015). Collection method: clinical testing. Allele origin: germline.
Comment: This sequence change replaces alanine, which is neutral and non-polar, with valine, which is neutral and non-polar, at codon 99 of the IRF7 protein (p.Ala99Val). The frequency data for this variant in the population databases is considered unreliable, as metrics indicate poor data quality at this position in the gnomAD database. This variant has not been reported in the literature in individuals affected with IRF7-related conditions. ClinVar contains an entry for this variant (Variation ID: 952310). An algorithm developed to predict the effect of missense changes on protein structure and function (PolyPhen-2) suggests that this variant is likely to be tolerated. In summary, the available evidence is currently insufficient to determine the role of this variant in disease. Therefore, it has been classified as a Variant of Uncertain Significance.

Ambry Genetics
Classification: Uncertain significance. Last evaluated: 2024-05-07. Review status: criteria provided, single submitter. Criteria: Ambry Variant Classification Scheme 2023. Collection method: clinical testing. Allele origin: germline.